The following is an entry in ClinVar:

NM_001384140.1(PCDH15):c.4029G>A (p.Pro1343=)

Gene: PCDH15 (protocadherin related 15; minus strand). Cytogenetic location: 10q21.1.
Variant type: single nucleotide variant.
Coding change: c.4029G>A on transcript NM_001384140.1 (MANE Select); coding-DNA position 4029, G replaced by A.
Protein change: p.Pro1343=; no amino-acid change (proline 1343 retained).
Molecular consequence: synonymous variant.
Genome position (GRCh38, 1-based): chr10:53,831,488, C>T on the plus strand (G>A on the coding strand, the complement: PCDH15 is on the minus strand). VCF-style: chr10-53831488-C-T. GRCh37 (hg19) VCF-style: chr10-55591248-C-T.
Other names: c.4050G>A, p.Pro1350= (NM_001354411.2); c.4029G>A, p.Pro1343= (NM_001354420.2, NM_001354429.2, NM_033056.4 and 4 more transcripts); c.4044G>A, p.Pro1348= (NM_001142763.2, NM_001142771.2); c.3816G>A, p.Pro1272= (NM_001142765.2); c.3918G>A, p.Pro1306= (NM_001142767.2); c.3963G>A, p.Pro1321= (NM_001142768.2, NM_001142773.2, NM_001354404.2); c.4065G>A, p.Pro1355= (NM_001142769.4); c.4029G>A (NM_033056.3).
Identifiers: ClinVar variation 1128632 (VCV001128632.10), dbSNP rs533989966, ClinGen allele CA5505482.
Genomic context (GRCh38, chr10:53,831,488, plus strand): 5'-AATGCTGGTCACTGCCTCTGGAGTCCGGATCTCCAGAATGCGTCCTCCTTCCCCATAATA[C>T]GGCTGAAAGTCTTTATTGATATCAAGTAGTTTGCCATCCAAAAATCTTTATTGTTAGATA-3'
Protein context (NP_001371069.1, residues 1333-1353): KLLDINKDFQ[Pro1343=]YYGEGGRILE

ClinVar aggregate classification (germline): Likely benign. Review status: criteria provided, multiple submitters, no conflicts (2 of 4 stars). 2 submissions from 2 submitters: Likely benign (2). Last evaluated 2026-03-24.

Conditions:
PCDH15-related disorder. Also called: PCDH15-related condition; PCDH15-related disorders.

Allele frequency attached by ClinVar (database versions not stated): ExAC 0.00002; gnomAD 0.00003; gnomAD exomes 0.00003; TOPMed 0.00005; 1000 Genomes Project 30x 0.00016; 1000 Genomes Project 0.00020.
gnomAD v4.1: 41 of 1,614,050 alleles (0.0025%); highest among the groups gnomAD compares: Middle Eastern, 0.033%; no homozygotes.

Submissions (2):

PreventionGenetics, part of Exact Sciences
Classification: Likely benign for PCDH15-related condition. Last evaluated: 2026-03-24. Review status: criteria provided, single submitter. Criteria: ACMG Guidelines, 2015. Collection method: clinical testing. Allele origin: germline.
Comment: This variant is classified as likely benign based on ACMG/AMP sequence variant interpretation guidelines (Richards et al. 2015 PMID: 25741868, with internal and published modifications).

Labcorp Genetics (formerly Invitae), Labcorp
Classification: Likely benign. Last evaluated: 2026-01-25. Review status: criteria provided, single submitter. Criteria: Invitae Variant Classification Sherloc (09022015). Collection method: clinical testing. Allele origin: germline.